The following is an entry in ClinVar:

NM_006950.3(SYN1):c.1673C>T (p.Ala558Val)

Gene: SYN1 (synapsin I; minus strand). Cytogenetic location: Xp11.3.
Variant type: single nucleotide variant.
Coding change: c.1673C>T on transcript NM_006950.3 (MANE Select); coding-DNA position 1673, C replaced by T.
Protein change: p.Ala558Val; replaces alanine 558 with valine.
Molecular consequence: missense variant.
Genome position (GRCh38, 1-based): chrX:47,574,311, G>A on the plus strand (C>T on the coding strand, the complement: SYN1 is on the minus strand). VCF-style: chrX-47574311-G-A. GRCh37 (hg19) VCF-style: chrX-47433710-G-A.
Other names: c.1673C>T, p.Ala558Val (NM_133499.2); short protein forms A558V.
Identifiers: ClinVar variation 1699703 (VCV001699703.8), dbSNP rs2147912173, ClinGen allele CA412822936.

ClinVar aggregate classification (germline): Uncertain significance. Review status: criteria provided, multiple submitters, no conflicts (2 of 4 stars). 3 submissions from 3 submitters: Uncertain significance (2). 1 of the submissions does not count toward it. Last evaluated 2022-02-01.

Conditions:
Epilepsy, X-linked 1, with variable learning disabilities and behavior disorders. Also called: X-linked epilepsy-learning disabilities-behavior disorders syndrome. Identifiers: Orphanet 85294, MedGen C5774177, MONDO:0010339, OMIM 300491.
SYN1-related disorder. Also called: SYN1-related condition; SYN1-Related Disorders.

gnomAD v4.1: 1 of 1,089,597 alleles (0.000092%); no homozygotes.

Submissions (3):

GeneDx
Classification: Uncertain significance. Last evaluated: 2022-02-01. Review status: criteria provided, single submitter. Criteria: GeneDx Variant Classification Process June 2021. Collection method: clinical testing. Allele origin: germline. Affected: yes.
Comment: Not observed at significant frequency in large population cohorts (gnomAD); In silico analysis supports that this missense variant does not alter protein structure/function; In silico analysis, which includes splice predictors and evolutionary conservation, suggests this variant may impact gene splicing. In the absence of RNA/functional studies, the actual effect of this sequence change is unknown.; Has not been previously published as pathogenic or benign to our knowledge

Labcorp Genetics (formerly Invitae), Labcorp
Classification: Uncertain significance for Epilepsy, X-linked 1, with variable learning disabilities and behavior disorders. Last evaluated: 2022-01-02. Review status: criteria provided, single submitter. Criteria: Invitae Variant Classification Sherloc (09022015). Collection method: clinical testing. Allele origin: germline.
Comment: This variant has not been reported in the literature in individuals affected with SYN1-related conditions. Algorithms developed to predict the effect of missense changes on protein structure and function are either unavailable or do not agree on the potential impact of this missense change (SIFT: "Tolerated"; PolyPhen-2: "Not Available"; Align-GVGD: "Class C0"). This sequence change replaces alanine, which is neutral and non-polar, with valine, which is neutral and non-polar, at codon 558 of the SYN1 protein (p.Ala558Val). This variant is not present in population databases (gnomAD no frequency). Algorithms developed to predict the effect of sequence changes on RNA splicing suggest that this variant may create or strengthen a splice site. In summary, the available evidence is currently insufficient to determine the role of this variant in disease. Therefore, it has been classified as a Variant of Uncertain Significance.

PreventionGenetics, part of Exact Sciences
Classification: Uncertain significance for SYN1-related condition. Last evaluated: 2024-05-03. Review status: no assertion criteria provided. Collection method: clinical testing. Allele origin: germline. Not counted in ClinVar's aggregate classification.
Comment: The SYN1 c.1673C>T variant is predicted to result in the amino acid substitution p.Ala558Val. To our knowledge, this variant has not been reported in the literature or in a large population database, indicating this variant is rare. At this time, the clinical significance of this variant is uncertain due to the absence of conclusive functional and genetic evidence.